The following is an entry in ClinVar:

NM_175914.5(HNF4A):c.*1364G>A

Gene: HNF4A (hepatocyte nuclear factor 4 alpha; plus strand). Cytogenetic location: 20q13.12.
Variant type: single nucleotide variant.
Coding change: c.*1364G>A on transcript NM_175914.5 (MANE Select); 1364 bases downstream of the stop codon, G replaced by A.
Molecular consequence: 3 prime UTR variant.
Genome position (GRCh38, 1-based): chr20:44,431,029, G>A. VCF-style: chr20-44431029-G-A. GRCh37 (hg19) VCF-style: chr20-43059669-G-A.
Other names: c.*1364G>A (NM_000457.6, NM_001030003.3, NM_001258355.2 and 3 more transcripts).
Identifiers: ClinVar variation 897282 (VCV000897282.5), dbSNP rs187923731, ClinGen allele CA315421860.

ClinVar aggregate classification (germline): Conflicting classifications of pathogenicity. Review status: criteria provided, conflicting classifications (1 of 4 stars). 3 submissions from 2 submitters: Uncertain significance (1); Benign (1); Likely benign (1). Last evaluated 2018-01-13.

Conditions:
Maturity-onset diabetes of the young type 1. Also called: MODY type 1; Diabetes mellitus MODY type 1; MODY HNF4A related; MILD JUVENILE DIABETES MELLITUS; HNF4A-Related Maturity-Onset Diabetes of the Young Type 1; MODY, type I. Identifiers: Orphanet 552, MedGen C1852093, MONDO:0007452, OMIM 125850. Disease mechanism: loss of function.
Maturity-onset diabetes of the young (MODY). Also called: Maturity onset diabetes mellitus in young. Identifiers: Orphanet 552, MedGen C0342276, MONDO:0018911, HP:0004904.
Familial hyperinsulinism. Also called: Congenital hyperinsulinism. Identifiers: Orphanet 276525, MedGen C3888018, MONDO:0017182. Disease mechanism: loss of function.

Allele frequency attached by ClinVar (database versions not stated): gnomAD 0.00014 and 0.00028; TOPMed 0.00023; 1000 Genomes Project 0.00200.

Submissions (3):

Illumina Laboratory Services, Illumina
Classification: Uncertain significance for Familial hyperinsulinism. Last evaluated: 2018-01-13. Review status: criteria provided, single submitter. Criteria: ICSL Variant Classification Criteria 13 December 2019. Collection method: clinical testing. Allele origin: germline.

Illumina Laboratory Services, Illumina
Classification: Likely benign for Maturity-onset diabetes of the young type 1. Last evaluated: 2018-01-13. Review status: criteria provided, single submitter. Criteria: ICSL Variant Classification Criteria 13 December 2019. Collection method: clinical testing. Allele origin: germline.
Comment: This variant was observed in the ICSL laboratory as part of a predisposition screen in an ostensibly healthy population. It had not been previously curated by ICSL or reported in the Human Gene Mutation Database (HGMD: prior to June 1st, 2018), and was therefore a candidate for classification through an automated scoring system. Utilizing variant allele frequency, disease prevalence and penetrance estimates, and inheritance mode, an automated score was calculated to assess if this variant is too frequent to cause the disease. Based on the score and internal cut-off values, a variant classified as likely benign is not then subjected to further curation. The score for this variant resulted in a classification of likely benign for this disease.

Clinical Genomics, Uppaluri K&H Personalized Medicine Clinic
Classification: Benign for Maturity-onset diabetes of the young. Review status: criteria provided, single submitter. Criteria: K & H Uppaluri Personalized Medicine Clinic Variant Classification & Assertion Criteria_Updated V.1. Collection method: research. Allele origin: unknown. Inheritance: Autosomal dominant inheritance.
Comment: Potent mutations in HNF4A are associated with poor insulin secretion in response to hyperglycemia. Associated with MODY1. Patients initially respond well to sulfonylureas but eventually become insulin dependent. However, more evidence is required to ascertain the role of this particular variant rs187923731 in MODY, yet.

Literature cited by the submitters: DOI 10.1159/000334532 (cited by Clinical Genomics, Uppaluri K&H Personalized Medicine Clinic); PubMed 18268044 (cited by Clinical Genomics, Uppaluri K&H Personalized Medicine Clinic); PubMed 17563455 (cited by Clinical Genomics, Uppaluri K&H Personalized Medicine Clinic); PubMed 32583173 (cited by Clinical Genomics, Uppaluri K&H Personalized Medicine Clinic); PubMed 35052457 (cited by Clinical Genomics, Uppaluri K&H Personalized Medicine Clinic); PubMed 35118593 (cited by Clinical Genomics, Uppaluri K&H Personalized Medicine Clinic).